The following is an entry in ClinVar:

ClinVar aggregate classification (germline): Conflicting classifications of pathogenicity. Review status: criteria provided, conflicting classifications (1 of 4 stars). 4 submissions from 4 submitters: Uncertain significance (2); Benign (1); Likely benign (1). Last evaluated 2024-09-10.

Allele frequency attached by ClinVar (database versions not stated): TOPMed 0.00001; gnomAD 0.00003; ExAC 0.00007; ESP Exome Variant Server 0.00008.
gnomAD v4.1: 58 of 1,613,960 alleles (0.0036%); highest among the groups gnomAD compares: South Asian, 0.032%; 2 homozygotes.

Submissions (4):

Labcorp Genetics (formerly Invitae), Labcorp
Classification: Benign. Last evaluated: 2024-09-10. Review status: criteria provided, single submitter. Criteria: Invitae Variant Classification Sherloc (09022015). Collection method: clinical testing. Allele origin: germline.

Blueprint Genetics
Classification: Likely benign. Last evaluated: 2023-08-09. Review status: criteria provided, single submitter. Criteria: ACMG Guidelines, 2015. Collection method: clinical testing. Allele origin: germline.

GeneDx
Classification: Uncertain significance. Last evaluated: 2016-03-08. Review status: criteria provided, single submitter. Criteria: GeneDx Variant Classification (06012015). Collection method: clinical testing. Allele origin: germline. Affected: yes.
Comment: The R1918Q variant in the ARID1A gene has not been published as a pathogenic variant, nor has it been reported as a benign substitution to our knowledge. The R1918Q variant was not observed with any significant frequency in approximately 6,500 individuals of European and African American ancestry in the NHLBI Exome Sequencing Project, indicating it is not a common benign variant in these populations. The R1918Q variant is a semi-conservative amino acid substitution, which occurs at a position that is conserved across mammalian species. In silico analysis is inconsistent in its predictions as to whether or not the variant is damaging to the protein structure/function. We interpret R1918Q as a variant of uncertain significance.

Breakthrough Genomics
Classification: Uncertain significance. Review status: criteria provided, single submitter. Criteria: ACMG Guidelines, 2015. Collection method: not provided. Allele origin: germline. Inheritance: Autosomal dominant inheritance. Affected: yes.

NM_006015.6(ARID1A):c.5753G>A (p.Arg1918Gln)

Gene: ARID1A (AT-rich interaction domain 1A; plus strand). Cytogenetic location: 1p36.11.
Variant type: single nucleotide variant.
Coding change: c.5753G>A on transcript NM_006015.6 (MANE Select); coding-DNA position 5753, G replaced by A.
Protein change: p.Arg1918Gln; replaces arginine 1918 with glutamine.
Molecular consequence: missense variant.
Genome position (GRCh38, 1-based): chr1:26,779,651, G>A. VCF-style: chr1-26779651-G-A. GRCh37 (hg19) VCF-style: chr1-27106142-G-A.
Other names: c.5753G>A (LRG_875t1); c.5102G>A, p.Arg1701Gln (NM_139135.4); short protein forms R1918Q, R1701Q.
Identifiers: ClinVar variation 379806 (VCV000379806.9), dbSNP rs369532498, ClinGen allele CA707754.